The following is an entry in ClinVar:

NM_001370466.1(NOD2):c.1036C>T (p.Arg346Cys)

Gene: NOD2 (nucleotide binding oligomerization domain containing 2; plus strand). Cytogenetic location: 16q12.1.
Variant type: single nucleotide variant.
Coding change: c.1036C>T on transcript NM_001370466.1 (MANE Select); coding-DNA position 1036, C replaced by T.
Protein change: p.Arg346Cys; replaces arginine 346 with cysteine.
Molecular consequence: missense variant. On other transcripts: non-coding transcript variant (1).
Genome position (GRCh38, 1-based): chr16:50,711,028, C>T. VCF-style: chr16-50711028-C-T. GRCh37 (hg19) VCF-style: chr16-50744939-C-T.
Other names: c.1117C>T (LRG_177t1); c.1036C>T, p.Arg346Cys (NM_001293557.2); c.1117C>T, p.Arg373Cys (NM_022162.3); short protein forms R373C, R346C.
Identifiers: ClinVar variation 97902 (VCV000097902.44), dbSNP rs145293873, ClinGen allele CA150374.

ClinVar aggregate classification (germline): Conflicting classifications of pathogenicity. Review status: criteria provided, conflicting classifications (1 of 4 stars). 11 submissions from 11 submitters: Uncertain significance (4); VUS-low (1); Likely benign (3). 3 of the submissions do not count toward it. Last evaluated 2026-05-18.

Conditions:
NOD2-related disorder. Also called: NOD2-related condition.
Inflammatory bowel disease 1 (IBD1). Also called: Inflammatory bowel disease 1, Crohn disease; INFLAMMATORY BOWEL DISEASE (CROHN DISEASE) 1. Identifiers: MedGen CN260071, MONDO:0009960, OMIM 266600.
Autoinflammatory syndrome. Identifiers: Orphanet 93665, MedGen C3890737, MONDO:0019751.
Blau syndrome (BLAUS). Also called: GRANULOMATOSIS, FAMILIAL JUVENILE SYSTEMIC; GRANULOMATOSIS, FAMILIAL, BLAU TYPE; GRANULOMATOUS INFLAMMATORY ARTHRITIS, DERMATITIS, AND UVEITIS, FAMILIAL; JABS SYNDROME; ARTHROCUTANEOUVEAL GRANULOMATOSIS. Identifiers: Orphanet 90340, MedGen C5201146, MONDO:0008523, OMIM 186580.
Regional enteritis. Also called: Enteritis, Granulomatous. Identifiers: MedGen C0678202, MeSH D003424.

Allele frequency attached by ClinVar (database versions not stated): ESP Exome Variant Server 0.00015; ExAC 0.00017; gnomAD exomes 0.00017 and 0.00018; gnomAD 0.00021 and 0.00023; TOPMed 0.00021.
gnomAD v4.1: 287 of 1,614,088 alleles (0.018%); highest among the groups gnomAD compares: Middle Eastern, 0.099%; 1 homozygote.

Submissions (11):

PreventionGenetics, part of Exact Sciences
Classification: Uncertain significance for NOD2-related condition. Last evaluated: 2026-05-18. Review status: criteria provided, single submitter. Criteria: ACMG Guidelines, 2015. Collection method: clinical testing. Allele origin: germline.
Comment: The NOD2 c.1117C>T variant is predicted to result in the amino acid substitution p.Arg373Cys. This variant has been reported in multiple individuals affected with Crohn disease and absent in cohort controls, including one patient who also had spondylarthropathy (see for example, Lesage et al. 2002. PubMed ID: 11875755; Miceli-Richard et al. 2002. PubMed ID: 12115249; Table S10, El Naofal et al. 2023. PubMed ID: 36703223). The variant has also been reported as maternally inherited in an individual with pediatric acute onset neuropsychiatry (Supplementary Sheet 1, Cunningham et al. 2024 doi: DOI 10.1101/2024.02.20.24302984) and in an individual with dermatitis (Taylan et al 2015. PubMed ID: 25819062). Neither report noted Crohn disease or related conditions in either individual or the maternal parent. Although functional studies have shown that the c.1117C>T (p.Arg373Cys) variant does not significantly alter protein function (Tanabe et al. 2004. PubMed ID: 15044951; Nabhani et al. 2019. PubMed ID: 31784737), informatics tools specifically derived to assess pathogenicity of NOD2 variants predicted the variant to be damaging (Janairo and Sy-Janairo. 2020. DOI 10.36547/nbc.v19i1.577; Raghuraman et al. 2021. PubMed ID: 34622739). This variant is reported in 0.032% of alleles in individuals of European (non-Finnish) descent in gnomAD v2 (as displayed in the table above). However, in gnomAD v4 (available only on GRCh38), this variant is reported in 0.09% of alleles in a Middle Eastern subpopulation. At this time, the clinical significance of this variant is uncertain due to the absence of conclusive functional and genetic evidence, but we suspect, this variant may be a risk factor for Crohn disease and related disorders.

Labcorp Genetics (formerly Invitae), Labcorp
Classification: Likely benign for Regional enteritis; Blau syndrome. Last evaluated: 2025-09-24. Review status: criteria provided, single submitter. Criteria: Invitae Variant Classification Sherloc (09022015). Collection method: clinical testing. Allele origin: germline.

ARUP Laboratories, Molecular Genetics and Genomics, ARUP Laboratories
Classification: Uncertain significance. Last evaluated: 2024-11-26. Review status: criteria provided, single submitter. Criteria: ARUP Molecular Germline Variant Investigation Process 2024. Collection method: clinical testing. Allele origin: germline.
Comment: The NOD2 c.1117C>T; p.Arg373Cys variant (rs145293873), to our knowledge, is not reported in individuals with Blau syndrome, but is reported in the literature in individuals affected with Crohnâ€™s disease, spondyloarthropathy, or dermatitis (Lesage 2002, Miceli-Richard 2002, Taylan 2015). This variant is also reported in ClinVar (Variation ID: 97902) and is found in the general population with an overall allele frequency of 0.0184% (52/282,834 alleles) in the Genome Aggregation Database. In vitro functional analyses demonstrate wild-type function is retained (Tanabe 2004). Computational analyses are uncertain whether this variant is neutral or deleterious (REVEL: 0.231). Due to limited information, the clinical significance of this variant is uncertain at this time. References: Lesage S et al. CARD15/NOD2 mutational analysis and genotype-phenotype correlation in 612 patients with inflammatory bowel disease. Am J Hum Genet. 2002 Apr;70(4):845-57. PMID: 11875755. Miceli-Richard C et al. CARD15/NOD2 analyses in spondylarthropathy. Arthritis Rheum. 2002 May;46(5):1405-6. PMID: 12115249. Tanabe T et al. Regulatory regions and critical residues of NOD2 involved in muramyl dipeptide recognition. EMBO J. 2004 Apr 7;23(7):1587-97. PMID: 15044951. Taylan F et al. Whole-exome sequencing of Ethiopian patients with ichthyosis vulgaris and atopic dermatitis. J Allergy Clin Immunol. 2015 Aug;136(2):507-9.e19. PMID: 25819062.

CeGaT Center for Human Genetics Tuebingen
Classification: Likely benign. Last evaluated: 2024-02-01. Review status: criteria provided, single submitter. Criteria: CeGaT Center For Human Genetics Tuebingen Variant Classification Criteria Version 2. Collection method: clinical testing. Allele origin: germline. Affected: yes. Observed: 2 variant alleles.
Comment: NOD2: BP4

Dubai Health Genomic Medicine Center, Dubai Health
Classification: Uncertain significance. Last evaluated: 2022-12-17. Review status: criteria provided, single submitter. Criteria: ACMG Guidelines, 2015. Collection method: clinical testing. Allele origin: germline. Affected: yes.

Genome Diagnostics Laboratory, The Hospital for Sick Children
Classification: Likely benign for Autoinflammatory syndrome. Last evaluated: 2021-05-14. Review status: criteria provided, single submitter. Criteria: ACMG Guidelines, 2015. Collection method: clinical testing. Allele origin: germline. Affected: yes.

GeneDx
Classification: Uncertain significance. Last evaluated: 2020-11-06. Review status: criteria provided, single submitter. Criteria: GeneDx Variant Classification Process June 2021. Collection method: clinical testing. Allele origin: germline. Affected: yes.
Comment: Identified in an individual with Crohn disease and an individual with spondylarthropathy, however, segregation information was not included (Lesage et al., 2002; Miceli-Richard et al., 2002); Functional studies indicate that this variant does not affect NF-kB activation, however, further studies are warranted (Tanabe et al., 2004); In silico analysis supports that this missense variant has a deleterious effect on protein structure/function; This variant is associated with the following publications: (PMID: 11385576, 31784737, 11875755, 15044951, 12115249)

Center of Excellence of Human Genetics, National Research Center
Classification: VUS-low for Inflammatory bowel disease 1. Review status: criteria provided, single submitter. Criteria: ACMG Guidelines, 2015. Collection method: clinical testing. Allele origin: germline. Inheritance: Genetic anticipation. Affected: yes.
Comment: The NOD2 c.1117C>T p.Arg373Cys (rs145293873) variant is a missense change located in exon 4 of NOD2. It is reported in gnomAD with an overall allele frequency of 0.017000%, including 1 individual in the homozygous state. Computational prediction scores for this variant include CADD=17.78 and REVEL=0.231. The variant is reported in ClinVar, and similar missense variants at or near this codon have also been submitted. According to ACMG/AMP-based submissions aggregated in VarChat, this variant has been classified as of uncertain significance for eight MedGen-associated conditions; the most severe classification is uncertain significance for a condition described as inflammatory bowel disease type 1

Clinical Genetics DNA and cytogenetics Diagnostics Lab, Erasmus MC, Erasmus Medical Center
Classification: Uncertain significance. Review status: no assertion criteria provided. Collection method: clinical testing. Allele origin: germline. Affected: yes. Study: VKGL Data-share Consensus. Not counted in ClinVar's aggregate classification.

Genome Diagnostics Laboratory, University Medical Center Utrecht
Classification: Uncertain significance. Review status: no assertion criteria provided. Collection method: clinical testing. Allele origin: germline. Affected: yes. Study: VKGL Data-share Consensus. Not counted in ClinVar's aggregate classification.

Unité médicale des maladies autoinflammatoires, CHRU Montpellier
No classification provided. Condition: Sarcoidosis, early-onset. Review status: no classification provided. Collection method: not provided. Allele origin: unknown. Not counted in ClinVar's aggregate classification.
Comment: also involved in OMIM 186580 and 266600

Literature cited by the submitters: PubMed 15044951 (cited by Center of Excellence of Human Genetics, National Research Center).